The following is an entry in ClinVar:

NM_005120.3(MED12):c.1102-136G>A

Gene: MED12 (mediator complex subunit 12; plus strand). Cytogenetic location: Xq13.1.
Variant type: single nucleotide variant.
Coding change: c.1102-136G>A on transcript NM_005120.3 (MANE Select); 136 bases into the intron before coding-DNA position 1102, G replaced by A.
Molecular consequence: intron variant.
Genome position (GRCh38, 1-based): chrX:71,122,064, G>A. VCF-style: chrX-71122064-G-A. GRCh37 (hg19) VCF-style: chrX-70341914-G-A.
Identifiers: ClinVar variation 674294 (VCV000674294.2), dbSNP rs4844283, ClinGen allele CA330975891.

ClinVar aggregate classification (germline): Benign. Review status: criteria provided, multiple submitters, no conflicts (2 of 4 stars). 2 submissions from 2 submitters: Benign (2). Last evaluated 2018-06-14.

Allele frequency attached by ClinVar (database versions not stated): gnomAD exomes 0.06076; gnomAD 0.13578 and 0.13635; TOPMed 0.16756; 1000 Genomes Project 0.20318; 1000 Genomes Project 30x 0.21374.
gnomAD v4.1: 63,553 of 899,694 alleles (7.1%); highest among the groups gnomAD compares: Admixed American, 34%; 5,081 homozygotes.

Submissions (2):

GeneDx
Classification: Benign. Last evaluated: 2018-06-14. Review status: criteria provided, single submitter. Criteria: GeneDx Variant Classification (06012015). Collection method: clinical testing. Allele origin: germline. Affected: yes.
Comment: This variant is considered likely benign or benign based on one or more of the following criteria: it is a conservative change, it occurs at a poorly conserved position in the protein, it is predicted to be benign by multiple in silico algorithms, and/or has population frequency not consistent with disease.

Breakthrough Genomics
Classification: Benign. Review status: criteria provided, single submitter. Criteria: ACMG Guidelines, 2015. Collection method: not provided. Allele origin: germline. Inheritance: X-linked inheritance. Affected: yes.